The following is an entry in ClinVar:

ClinVar aggregate classification (germline): Likely benign (1 of 4 stars; one submission).

Submission:

Women's Health and Genetics/Laboratory Corporation of America, LabCorp
Classification: Likely benign. Last evaluated: 2025-11-10. Review status: criteria provided, single submitter. Criteria: LabCorp Variant Classification Summary - May 2015. Collection method: clinical testing. Allele origin: germline.
Comment: Variant summary: WFS1 c.1233T>C alters a non-conserved nucleotide resulting in a synonymous change. Consensus agreement among computation tools predict no significant impact on normal splicing. However, these predictions have yet to be confirmed by functional studies. The variant was absent in 251474 control chromosomes. The available data on variant occurrences in the general population are insufficient to allow any conclusion about variant significance. To our knowledge, no occurrence of c.1233T>C in individuals affected with WFS1-related conditions and no experimental evidence demonstrating its impact on protein function have been reported. No submitters have cited clinical-significance assessments for this variant to ClinVar. Based on the evidence outlined above, the variant was classified as likely benign.

NM_006005.3(WFS1):c.1233T>C (p.Ser411=)

Gene: WFS1 (wolframin ER transmembrane glycoprotein; plus strand). Cytogenetic location: 4p16.1.
Variant type: single nucleotide variant.
Coding change: c.1233T>C on transcript NM_006005.3 (MANE Select); coding-DNA position 1233, T replaced by C.
Protein change: p.Ser411=; no amino-acid change (serine 411 retained).
Molecular consequence: synonymous variant.
Genome position (GRCh38, 1-based): chr4:6,301,028, T>C. VCF-style: chr4-6301028-T-C. GRCh37 (hg19) VCF-style: chr4-6302755-T-C.
Other names: c.1233T>C, p.Ser411= (NM_001145853.1).
Identifiers: ClinVar variation 4536898 (VCV004536898.1).